The following is an entry in ClinVar:

ClinVar aggregate classification (germline): Likely pathogenic. Review status: criteria provided, multiple submitters, no conflicts (2 of 4 stars). 2 submissions from 2 submitters: Likely pathogenic (2). Last evaluated 2024-05-02.

Conditions:
Nystagmus 1, congenital, X-linked. Also called: NYSTAGMUS 1, INFANTILE, X-LINKED; NYSTAGMUS, CONGENITAL MOTOR, 1; NYSTAGMUS, INFANTILE IDIOPATHIC; NYSTAGMUS, INFANTILE PERIODIC ALTERNATING, X-LINKED; FRMD7-Related Infantile Nystagmus. Identifiers: MedGen C1839580, MONDO:0010693, OMIM 310700.

Allele frequency attached by ClinVar (database versions not stated): gnomAD exomes below 0.00001.
gnomAD v4.1: 3 of 1,207,601 alleles (0.00025%); highest among the groups gnomAD compares: Non-Finnish European, 0.00034%; no homozygotes.

Submissions (3):

Institute of Immunology and Genetics Kaiserslautern
Classification: Likely pathogenic for Nystagmus 1, congenital, X-linked. Last evaluated: 2024-05-02. Review status: criteria provided, single submitter. Criteria: ACMG Guidelines, 2015. Collection method: clinical testing. Allele origin: maternal. Affected: yes.
Comment: ACMG Criteria: PM1, PM2_P, PM5, PP3, PP5; Variant was found in hemizygous state

GeneDx
Classification: Likely pathogenic. Last evaluated: 2023-08-16. Review status: criteria provided, single submitter. Criteria: GeneDx Variant Classification Process June 2021. Collection method: clinical testing. Allele origin: germline.
Comment: Not observed at significant frequency in large population cohorts (gnomAD); In silico analysis supports that this missense variant has a deleterious effect on protein structure/function as well as a deleterious effect on splicing; This variant is associated with the following publications: (PMID: 17013395)

Dr. Peter K. Rogan Lab, Western University
No classification provided (evidence only). Condition: Thyroid cancer, nonmedullary, 1. Review status: no classification provided. Collection method: in vitro. Allele origin: not applicable. Functional consequence: retained intron. Not counted in ClinVar's aggregate classification.

NM_194277.3(FRMD7):c.902A>G (p.Tyr301Cys)

Gene: FRMD7 (FERM domain containing 7; minus strand). Cytogenetic location: Xq26.2.
Variant type: single nucleotide variant.
Coding change: c.902A>G on transcript NM_194277.3 (MANE Select); coding-DNA position 902, A replaced by G.
Protein change: p.Tyr301Cys; replaces tyrosine 301 with cysteine.
Molecular consequence: missense variant.
Genome position (GRCh38, 1-based): chrX:132,082,366, T>C on the plus strand (A>G on the coding strand, the complement: FRMD7 is on the minus strand). VCF-style: chrX-132082366-T-C. GRCh37 (hg19) VCF-style: chrX-131216394-T-C.
Other names: NC_000023.10:g.131216394T>C; c.857A>G, p.Tyr286Cys (NM_001306193.2); short protein forms Y286C, Y301C.
Identifiers: ClinVar variation 2428834 (VCV002428834.6), dbSNP rs1297486092, ClinGen allele CA414680311.